The following is an entry in ClinVar:

NM_002506.3(NGF):c.480G>A (p.Leu160=)

Genes: NGF-AS1 (NGF antisense RNA 1; plus strand), NGF (nerve growth factor; minus strand). Cytogenetic location: 1p13.2.
Variant type: single nucleotide variant.
Coding change: c.480G>A on transcript NM_002506.3 (MANE Select); coding-DNA position 480, G replaced by A.
Protein change: p.Leu160=; no amino-acid change (leucine 160 retained).
Molecular consequence: synonymous variant.
Genome position (GRCh38, 1-based): chr1:115,286,316, C>T on the plus strand (G>A on the coding strand, the complement: NGF is on the minus strand). VCF-style: chr1-115286316-C-T. GRCh37 (hg19) VCF-style: chr1-115828937-C-T.
Other names: c.480G>A (NM_002506.2).
Identifiers: ClinVar variation 1144406 (VCV001144406.10), dbSNP rs1175374447, ClinGen allele CA420185040.

ClinVar aggregate classification (germline): Likely benign. Review status: criteria provided, multiple submitters, no conflicts (2 of 4 stars). 2 submissions from 2 submitters: Likely benign (2). Last evaluated 2026-04-07.

Conditions:
Congenital sensory neuropathy with selective loss of small myelinated fibers (HSAN5). Also called: HSAN Type V. Identifiers: Orphanet 64752, MedGen C0020075, MONDO:0012092, OMIM 608654.
NGF-related disorder. Also called: NGF-related condition.

Allele frequency attached by ClinVar (database versions not stated): gnomAD exomes 0.00001 and 0.00006; TOPMed 0.00002; gnomAD 0.00003 and 0.00004.
gnomAD v4.1: 87 of 1,614,082 alleles (0.0054%); highest among the groups gnomAD compares: Non-Finnish European, 0.0071%; no homozygotes.

Submissions (2):

PreventionGenetics, part of Exact Sciences
Classification: Likely benign for NGF-related condition. Last evaluated: 2026-04-07. Review status: criteria provided, single submitter. Criteria: ACMG Guidelines, 2015. Collection method: clinical testing. Allele origin: germline.
Comment: This variant is classified as likely benign based on ACMG/AMP sequence variant interpretation guidelines (Richards et al. 2015 PMID: 25741868, with internal and published modifications).

Labcorp Genetics (formerly Invitae), Labcorp
Classification: Likely benign for Congenital sensory neuropathy with selective loss of small myelinated fibers. Last evaluated: 2025-04-03. Review status: criteria provided, single submitter. Criteria: Invitae Variant Classification Sherloc (09022015). Collection method: clinical testing. Allele origin: germline.